The following is an entry in ClinVar:

NM_001377.3(DYNC2H1):c.11230G>T (p.Glu3744Ter)

Gene: DYNC2H1 (dynein cytoplasmic 2 heavy chain 1; plus strand). Cytogenetic location: 11q22.3.
Variant type: single nucleotide variant.
Coding change: c.11230G>T on transcript NM_001377.3 (MANE Select); coding-DNA position 11230, G replaced by T.
Protein change: p.Glu3744Ter; replaces glutamic acid 3744 with a stop codon.
Molecular consequence: nonsense.
Genome position (GRCh38, 1-based): chr11:103,303,227, G>T. VCF-style: chr11-103303227-G-T. GRCh37 (hg19) VCF-style: chr11-103173956-G-T.
Other names: c.11251G>T, p.Glu3751Ter (NM_001080463.2); short protein forms E3751*, E3744*.
Identifiers: ClinVar variation 2715403 (VCV002715403.4), dbSNP rs1340269679, ClinGen allele CA382259884.

ClinVar aggregate classification (germline): Pathogenic. Review status: criteria provided, multiple submitters, no conflicts (2 of 4 stars). 2 submissions from 2 submitters: Pathogenic (2). Last evaluated 2024-07-27.

Conditions:
Jeune thoracic dystrophy. Also called: Jeune syndrome; Infantile thoracic dystrophy; Thoracic pelvic phalangeal dystrophy; Jeune's syndrome; Chondroectodermal dysplasia-like syndrome; Short-rib thoracic dysplasia. Identifiers: Orphanet 474, MedGen C0265275, MONDO:0018770.
Asphyxiating thoracic dystrophy 3. Also called: Saldino-Noonan Syndrome; SHORT-RIB THORACIC DYSPLASIA 3 WITH OR WITHOUT POLYDACTYLY; POLYDACTYLY WITH NEONATAL CHONDRODYSTROPHY, TYPE I; SHORT-RIB THORACIC DYSPLASIA 3/6 WITH POLYDACTYLY, DIGENIC; Short rib polydactyly syndrome 2B. Identifiers: Orphanet 474, Orphanet 93269, Orphanet 93270, Orphanet 93271, MedGen C0036069, MONDO:0013127, OMIM 613091.

gnomAD v4.1: 1 of 1,612,336 alleles (0.000062%); highest among the groups gnomAD compares: Non-Finnish European, 0.000085%; no homozygotes.

Submissions (2):

Myriad Genetics, Inc.
Classification: Pathogenic for Asphyxiating thoracic dystrophy 3. Last evaluated: 2024-07-27. Review status: criteria provided, single submitter. Criteria: Myriad Autosomal Dominant, Autosomal Recessive and X-Linked Classification Criteria (2023). Collection method: clinical testing. Allele origin: unknown.
Comment: NM_001377.2(DYNC2H1):c.11230G>T(E3744*) is expected to be pathogenic in the context of DYNC2H1-related disorders. This variant is predicted to lead to an abnormal or absent protein product due to the creation of a premature termination codon in DYNC2H1, a gene where loss-of-function variants are known to be pathogenic. Please note: this variant was assessed in the context of healthy population screening.

Labcorp Genetics (formerly Invitae), Labcorp
Classification: Pathogenic for Jeune thoracic dystrophy. Last evaluated: 2023-10-22. Review status: criteria provided, single submitter. Criteria: Invitae Variant Classification Sherloc (09022015). Collection method: clinical testing. Allele origin: germline.
Comment: This sequence change creates a premature translational stop signal (p.Glu3751*) in the DYNC2H1 gene. It is expected to result in an absent or disrupted protein product. Loss-of-function variants in DYNC2H1 are known to be pathogenic (PMID: 23339108, 32753734, 33755199). This variant is present in population databases (no rsID available, gnomAD 0.0009%). This variant has not been reported in the literature in individuals affected with DYNC2H1-related conditions. For these reasons, this variant has been classified as Pathogenic.

Literature cited by the submitters: PubMed 23339108 (cited by Labcorp Genetics (formerly Invitae), Labcorp); PubMed 32753734 (cited by Labcorp Genetics (formerly Invitae), Labcorp); PubMed 33755199 (cited by Labcorp Genetics (formerly Invitae), Labcorp).